The following is an entry in ClinVar:

NM_007294.4(BRCA1):c.2048del (p.Lys683fs)

Gene: BRCA1 (BRCA1 DNA repair associated; minus strand). Cytogenetic location: 17q21.31.
Variant type: Deletion.
Coding change: c.2048del on transcript NM_007294.4 (MANE Select); coding-DNA position 2048, one base deleted (A; older notation c.2048delA).
Protein change: p.Lys683fs; shifts the reading frame from lysine 683.
Molecular consequence: frameshift variant. On other transcripts: intron variant (137).
Genome position (GRCh38, 1-based): chr17:43,093,483, T deleted on the plus strand (A on the coding strand, the reverse complement: BRCA1 is on the minus strand); the first of 2 consecutive T bases (chr17:43,093,483-43,093,484); deleting either gives the same sequence. VCF-style (leftmost placement, unchanged base first): chr17-43093482-CT-C. GRCh37 (hg19) VCF-style: chr17-41245499-CT-C.
Other names: c.2048delA (NM_007294.3); c.520+1261del (NM_001408504.1, NM_001408503.1, NM_001408505.1); c.643+1261del (NM_001408463.1, NM_001408462.1, NM_001408470.1 and 3 more transcripts); c.523+1261del (NM_001408499.1, NM_001408498.1, NM_001408501.1 and 3 more transcripts); c.670+2363del (NM_001408422.1, NM_001408418.1, NM_001408423.1 and 2 more transcripts); c.706+1261del (NM_001408416.1, NM_001408413.1); c.577+1261del (NM_001408484.1, NM_001408478.1, NM_001408514.1 and 9 more transcripts); c.661+1261del (NM_001408450.1, NM_001408434.1, NM_001408447.1 and 6 more transcripts); and 41 more; short protein forms K683fs, K636fs, K612fs, K615fs, K635fs, K680fs, K387fs, K556fs.
Identifiers: ClinVar variation 54446 (VCV000054446.3), dbSNP rs397508933, ClinGen allele CA001358.
Genomic context (GRCh38, chr17:43,093,482, plus strand): 5'-TGTTAACTTCAGCTCTGGGAAAGTATCGCTGTCATGTCTTTTACTTGTCTGTTCATTTGG[CT>C]TGTTACTCTTCTTGGCTCCAGTTGCAGGTTCTTTACCTTCCATGAGTTGTAGGTTTCTGC-3'

ClinVar aggregate classification (germline): Pathogenic. Review status: reviewed by expert panel (3 of 4 stars). 2 submissions from 2 submitters: Pathogenic (1). 1 of the submissions does not count toward it. Last evaluated 2017-12-15.

Conditions:
Breast-ovarian cancer, familial, susceptibility to, 1 (BROVCA1). Also called: OVARIAN CANCER, SUSCEPTIBILITY TO; BRCA1 Hereditary Breast and Ovarian Cancer. Identifiers: Orphanet 145, MedGen C2676676, MONDO:0011450, OMIM 604370. Disease mechanism: loss of function.
Familial cancer of breast. Also called: Hereditary breast cancer; hereditary breast carcinoma; BREAST CANCER, FAMILIAL. Identifiers: Orphanet 227535, MedGen C0346153, MONDO:0016419, OMIM 114480. Disease mechanism: loss of function.

Submissions (2):

Evidence-based Network for the Interpretation of Germline Mutant Alleles (ENIGMA)
Classification: Pathogenic for Breast-ovarian cancer, familial, susceptibility to, 1. Last evaluated: 2017-12-15. Review status: reviewed by expert panel. Criteria: ENIGMA BRCA1/2 Classification Criteria (2017-06-29). Collection method: curation. Allele origin: germline. Study: ENIGMA.
Comment: Variant allele predicted to encode a truncated non-functional protein.

ClinVar Staff, National Center for Biotechnology Information (NCBI)
No classification provided. Condition: Familial cancer of breast. Review status: no classification provided. Collection method: literature only. Allele origin: germline. Affected: yes. Not counted in ClinVar's aggregate classification.

Literature cited by the submitters: PubMed 16949048 (cited by ClinVar Staff, National Center for Biotechnology Information (NCBI)).